The following is an entry in ClinVar:

NM_004656.4(BAP1):c.1739A>G (p.Lys580Arg)

Gene: BAP1 (BRCA1 associated deubiquitinase 1; minus strand). Cytogenetic location: 3p21.1.
Variant type: single nucleotide variant.
Coding change: c.1739A>G on transcript NM_004656.4 (MANE Select); coding-DNA position 1739, A replaced by G.
Protein change: p.Lys580Arg; replaces lysine 580 with arginine.
Molecular consequence: missense variant.
Genome position (GRCh38, 1-based): chr3:52,403,289, T>C on the plus strand (A>G on the coding strand, the complement: BAP1 is on the minus strand). VCF-style: chr3-52403289-T-C. GRCh37 (hg19) VCF-style: chr3-52437305-T-C.
Other names: short protein forms K580R.
Identifiers: ClinVar variation 1026448 (VCV001026448.7), dbSNP rs1322739239, ClinGen allele CA353099321.

ClinVar aggregate classification (germline): Uncertain significance. Review status: criteria provided, multiple submitters, no conflicts (2 of 4 stars). 2 submissions from 2 submitters: Uncertain significance (2). Last evaluated 2025-08-06.

Conditions:
Hereditary cancer-predisposing syndrome. Also called: Neoplastic Syndromes, Hereditary; Tumor predisposition; Hereditary Cancer Syndrome; Hereditary neoplastic syndrome. Identifiers: Orphanet 140162, MedGen C0027672, MeSH D009386, MONDO:0015356.
BAP1-related tumor predisposition syndrome (TPDS1). Also called: Tumor susceptibility linked to germline BAP1 mutations; COMMON Syndrome; BAP1 tumor predisposition syndrome; TUMOR PREDISPOSITION SYNDROME 1. Identifiers: Orphanet 289539, MedGen C3280492, MONDO:0013692, OMIM 614327.

Allele frequency attached by ClinVar (database versions not stated): gnomAD 0.00001; TOPMed 0.00002.
gnomAD v4.1: 2 of 1,613,802 alleles (0.00012%); highest among the groups gnomAD compares: African/African-American, 0.0027%; no homozygotes.

Submissions (2):

Labcorp Genetics (formerly Invitae), Labcorp
Classification: Uncertain significance for BAP1-related tumor predisposition syndrome. Last evaluated: 2025-08-06. Review status: criteria provided, single submitter. Criteria: Invitae Variant Classification Sherloc (09022015). Collection method: clinical testing. Allele origin: germline.
Comment: This sequence change replaces lysine, which is basic and polar, with arginine, which is basic and polar, at codon 580 of the BAP1 protein (p.Lys580Arg). This variant is not present in population databases (gnomAD no frequency). This variant has not been reported in the literature in individuals affected with BAP1-related conditions. ClinVar contains an entry for this variant (Variation ID: 1026448). Invitae Evidence Modeling of protein sequence and biophysical properties (such as structural, functional, and spatial information, amino acid conservation, physicochemical variation, residue mobility, and thermodynamic stability) indicates that this missense variant is not expected to disrupt BAP1 protein function with a negative predictive value of 80%. In summary, the available evidence is currently insufficient to determine the role of this variant in disease. Therefore, it has been classified as a Variant of Uncertain Significance.

Ambry Genetics
Classification: Uncertain significance for Hereditary cancer-predisposing syndrome. Last evaluated: 2023-10-05. Review status: criteria provided, single submitter. Criteria: Ambry Variant Classification Scheme 2023. Collection method: clinical testing. Allele origin: germline.
Comment: The p.K580R variant (also known as c.1739A>G), located in coding exon 14 of the BAP1 gene, results from an A to G substitution at nucleotide position 1739. The lysine at codon 580 is replaced by arginine, an amino acid with highly similar properties. This amino acid position is highly conserved in available vertebrate species. In addition, this alteration is predicted to be tolerated by in silico analysis. Since supporting evidence is limited at this time, the clinical significance of this alteration remains unclear.